The following is an entry in ClinVar:

ClinVar aggregate classification (germline): Uncertain significance (1 of 4 stars; one submission).

Conditions:
Cardiovascular phenotype. Identifiers: MedGen CN230736.

Submission:

Ambry Genetics
Classification: Uncertain significance for Cardiovascular phenotype. Last evaluated: 2022-07-06. Review status: criteria provided, single submitter. Criteria: Ambry Variant Classification Scheme 2023. Collection method: clinical testing. Allele origin: germline.
Comment: The p.T462N variant (also known as c.1385C>A), located in coding exon 9 of the LDB3 gene, results from a C to A substitution at nucleotide position 1385. The threonine at codon 462 is replaced by asparagine, an amino acid with similar properties. This amino acid position is conserved. In addition, this alteration is predicted to be tolerated by in silico analysis. Since supporting evidence is limited at this time, the clinical significance of this alteration remains unclear.

NM_007078.3(LDB3):c.1385C>A (p.Thr462Asn)

Gene: LDB3 (LIM domain binding 3; plus strand). Cytogenetic location: 10q23.2.
Variant type: single nucleotide variant.
Coding change: c.1385C>A on transcript NM_007078.3 (MANE Select); coding-DNA position 1385, C replaced by A.
Protein change: p.Thr462Asn; replaces threonine 462 with asparagine.
Molecular consequence: missense variant.
Genome position (GRCh38, 1-based): chr10:86,716,480, C>A. VCF-style: chr10-86716480-C-A. GRCh37 (hg19) VCF-style: chr10-88476237-C-A.
Other names: c.1055C>A, p.Thr352Asn (NM_001080114.2); c.1400C>A, p.Thr467Asn (NM_001171610.2); c.1196C>A, p.Thr399Asn (NM_001368064.1, NM_001368065.1); c.1244C>A, p.Thr415Asn (NM_001368066.1); short protein forms T352N, T467N, T399N, T415N, T462N.
Identifiers: ClinVar variation 1771372 (VCV001771372.2), dbSNP rs760840320, ClinGen allele CA377450294.